The following is an entry in ClinVar:

NM_000466.3(PEX1):c.598C>T (p.His200Tyr)

Gene: PEX1 (peroxisomal biogenesis factor 1; minus strand). Cytogenetic location: 7q21.2.
Variant type: single nucleotide variant.
Coding change: c.598C>T on transcript NM_000466.3 (MANE Select); coding-DNA position 598, C replaced by T.
Protein change: p.His200Tyr; replaces histidine 200 with tyrosine.
Molecular consequence: missense variant. On other transcripts: 5 prime UTR variant (1).
Genome position (GRCh38, 1-based): chr7:92,517,917, G>A on the plus strand (C>T on the coding strand, the complement: PEX1 is on the minus strand). VCF-style: chr7-92517917-G-A. GRCh37 (hg19) VCF-style: chr7-92147231-G-A.
Other names: c.598C>T, p.His200Tyr (NM_001282677.2); c.-27C>T (NM_001282678.2); short protein forms H200Y.
Identifiers: ClinVar variation 3357683 (VCV003357683.1).

ClinVar aggregate classification (germline): Uncertain significance (0 of 4 stars; one submission).

Conditions:
PEX1-related disorder. Also called: PEX1-related condition.

Submission:

PreventionGenetics, part of Exact Sciences
Classification: Uncertain significance for PEX1-related condition. Last evaluated: 2024-08-26. Review status: no assertion criteria provided. Collection method: clinical testing. Allele origin: germline.
Comment: The PEX1 c.598C>T variant is predicted to result in the amino acid substitution p.His200Tyr. To our knowledge, this variant has not been reported in the literature. This variant is reported in 0.0066% of alleles in individuals of African descent in gnomAD. At this time, the clinical significance of this variant is uncertain due to the absence of conclusive functional and genetic evidence.